The following is an entry in ClinVar:

NM_014290.3(TDRD7):c.1353C>G (p.Asp451Glu)

Gene: TDRD7 (tudor domain containing 7; plus strand). Cytogenetic location: 9q22.33.
Variant type: single nucleotide variant.
Coding change: c.1353C>G on transcript NM_014290.3 (MANE Select); coding-DNA position 1353, C replaced by G.
Protein change: p.Asp451Glu; replaces aspartic acid 451 with glutamic acid.
Molecular consequence: missense variant.
Genome position (GRCh38, 1-based): chr9:97,460,675, C>G. VCF-style: chr9-97460675-C-G. GRCh37 (hg19) VCF-style: chr9-100222957-C-G.
Other names: c.1131C>G, p.Asp377Glu (NM_001302884.2); short protein forms D377E, D451E.
Identifiers: ClinVar variation 3666534 (VCV003666534.2).

ClinVar aggregate classification (germline): Uncertain significance (1 of 4 stars; one submission).

Conditions:
Cataract 36. Identifiers: MedGen C3151304, MONDO:0013484, OMIM 613887.

gnomAD v4.1: 130 of 1,613,806 alleles (0.0081%); highest among the groups gnomAD compares: Admixed American, 0.013%; no homozygotes.

Submission:

Labcorp Genetics (formerly Invitae), Labcorp
Classification: Uncertain significance for Cataract 36. Last evaluated: 2024-12-09. Review status: criteria provided, single submitter. Criteria: Invitae Variant Classification Sherloc (09022015). Collection method: clinical testing. Allele origin: germline.
Comment: This sequence change replaces aspartic acid, which is acidic and polar, with glutamic acid, which is acidic and polar, at codon 451 of the TDRD7 protein (p.Asp451Glu). This variant is present in population databases (rs146047308, gnomAD 0.02%). This variant has not been reported in the literature in individuals affected with TDRD7-related conditions. An algorithm developed to predict the effect of missense changes on protein structure and function outputs the following: PolyPhen-2: "Benign". The glutamic acid amino acid residue is found in multiple mammalian species, which suggests that this missense change does not adversely affect protein function. In summary, the available evidence is currently insufficient to determine the role of this variant in disease. Therefore, it has been classified as a Variant of Uncertain Significance.